The following is an entry in ClinVar:

NM_201384.3(PLEC):c.7330G>T (p.Asp2444Tyr)

Gene: PLEC (plectin; minus strand). Cytogenetic location: 8q24.3.
Variant type: single nucleotide variant.
Coding change: c.7330G>T on transcript NM_201384.3 (MANE Select); coding-DNA position 7330, G replaced by T.
Protein change: p.Asp2444Tyr; replaces aspartic acid 2444 with tyrosine.
Molecular consequence: missense variant. On other transcripts: intron variant (1).
Genome position (GRCh38, 1-based): chr8:143,922,599, C>A on the plus strand (G>T on the coding strand, the complement: PLEC is on the minus strand). VCF-style: chr8-143922599-C-A. GRCh37 (hg19) VCF-style: chr8-144996767-C-A.
Other names: c.7411G>T, p.Asp2471Tyr (NM_000445.5); c.7288G>T, p.Asp2430Tyr (NM_201378.4); c.7264G>T, p.Asp2422Tyr (NM_201379.3); c.7741G>T, p.Asp2581Tyr (NM_201380.4); c.7234G>T, p.Asp2412Tyr (NM_201381.3); c.7330G>T, p.Asp2444Tyr (NM_201382.4); c.7342G>T, p.Asp2448Tyr (NM_201383.3); c.4126-204G>T (NM_001410941.1); short protein forms D2430Y, D2422Y, D2448Y, D2471Y, D2581Y, D2412Y, D2444Y.
Identifiers: ClinVar variation 4789148 (VCV004789148.1).

ClinVar aggregate classification (germline): Uncertain significance (1 of 4 stars; one submission).

Conditions:
Epidermolysis bullosa simplex with nail dystrophy (EBS5D). Identifiers: MedGen C4225309, MONDO:0014661, OMIM 616487.
Epidermolysis bullosa simplex, Ogna type (EBS5A). Also called: EPIDERMOLYSIS BULLOSA SIMPLEX 5A, OGNA TYPE; Pidermolysis bullosa simplex 5A, Ogna type. Identifiers: Orphanet 79401, MedGen C0432317, MONDO:0007555, OMIM 131950.
Autosomal recessive limb-girdle muscular dystrophy type 2Q (LGMDR17). Also called: MUSCULAR DYSTROPHY, LIMB-GIRDLE, AUTOSOMAL RECESSIVE 17. Identifiers: Orphanet 254361, MedGen C3150989, MONDO:0013390, OMIM 613723.
Epidermolysis bullosa simplex 5B, with muscular dystrophy (EBS5B). Also called: EPIDERMOLYSIS BULLOSA SIMPLEX AND LIMB-GIRDLE MUSCULAR DYSTROPHY; Epidermolysis bullosa simplex with muscular dystrophy. Identifiers: Orphanet 257, MedGen C2931072, MONDO:0009181, OMIM 226670.
Epidermolysis bullosa simplex 5C, with pyloric atresia (EBS5C). Also called: PLEC-Related Epidermolysis Bullosa with Pyloric Atresia; Epidermolysis bullosa simplex with pyloric atresia; PLEC1-Related Epidermolysis Bullosa with Pyloric Atresia. Identifiers: Orphanet 158684, MedGen C2677349, MONDO:0012807, OMIM 612138.

gnomAD v4.1: 3 of 1,613,582 alleles (0.00019%); highest among the groups gnomAD compares: Non-Finnish European, 0.00025%; no homozygotes.

Submission:

Labcorp Genetics (formerly Invitae), Labcorp
Classification: Uncertain significance for Autosomal recessive limb-girdle muscular dystrophy type 2Q; Epidermolysis bullosa simplex, Ogna type; Epidermolysis bullosa simplex with nail dystrophy; Epidermolysis bullosa simplex 5C, with pyloric atresia; Epidermolysis bullosa simplex 5B, with muscular dystrophy. Last evaluated: 2025-11-15. Review status: criteria provided, single submitter. Criteria: Invitae Variant Classification Sherloc (09022015). Collection method: clinical testing. Allele origin: germline.
Comment: This sequence change replaces aspartic acid, which is acidic and polar, with tyrosine, which is neutral and polar, at codon 2471 of the PLEC protein (p.Asp2471Tyr). This variant is present in population databases (rs371885759, gnomAD 0.0009%). This variant has not been reported in the literature in individuals affected with PLEC-related conditions. An algorithm developed to predict the effect of missense changes on protein structure and function (PolyPhen-2) suggests that this variant is likely to be disruptive. In summary, the available evidence is currently insufficient to determine the role of this variant in disease. Therefore, it has been classified as a Variant of Uncertain Significance.